The following is an entry in ClinVar:

NM_004360.5(CDH1):c.1143G>C (p.Lys381Asn)

Gene: CDH1 (cadherin 1; plus strand). Cytogenetic location: 16q22.1.
Variant type: single nucleotide variant.
Coding change: c.1143G>C on transcript NM_004360.5 (MANE Select); coding-DNA position 1143, G replaced by C.
Protein change: p.Lys381Asn; replaces lysine 381 with asparagine.
Molecular consequence: missense variant. On other transcripts: 5 prime UTR variant (2), intron variant (1).
Genome position (GRCh38, 1-based): chr16:68,813,318, G>C. VCF-style: chr16-68813318-G-C. GRCh37 (hg19) VCF-style: chr16-68847221-G-C.
Other names: p.K381N:AAG>AAC; c.1143G>C (LRG_301t1); c.-473G>C (NM_001317185.2); c.-677G>C (NM_001317186.2); c.1137+1055G>C (NM_001317184.2); short protein forms K381N.
Identifiers: ClinVar variation 182395 (VCV000182395.39), dbSNP rs143727462, ClinGen allele CA298983.

ClinVar aggregate classification (germline): Conflicting classifications of pathogenicity. Review status: criteria provided, conflicting classifications (1 of 4 stars). 11 submissions from 11 submitters: Uncertain significance (4); Likely benign (6). 1 of the submissions does not count toward it. Last evaluated 2025-11-18.

Conditions:
Familial cancer of breast. Also called: BREAST CANCER, FAMILIAL; hereditary breast carcinoma; Hereditary breast cancer. Identifiers: Orphanet 227535, MedGen C0346153, MONDO:0016419, OMIM 114480. Disease mechanism: loss of function.
Blepharocheilodontic syndrome 1 (BCDS1). Identifiers: Orphanet 1997, MedGen C4551988, MONDO:0054740, OMIM 119580.
Endometrial carcinoma. Also called: Endometrial carcinoma, somatic. Identifiers: MedGen C0476089, MONDO:0002447, OMIM 608089, HP:0012114.
Hereditary diffuse gastric adenocarcinoma (HDGC). Also called: DIFFUSE GASTRIC AND LOBULAR BREAST CANCER SYNDROME. Identifiers: Orphanet 26106, MedGen C1708349, MONDO:0007648, OMIM 137215.
Ovarian cancer. Also called: OVARIAN CANCER, SOMATIC. Identifiers: Orphanet 213500, MedGen C1140680, MONDO:0008170, OMIM 167000.
Hereditary cancer-predisposing syndrome. Also called: Tumor predisposition; Hereditary Cancer Syndrome; Hereditary neoplastic syndrome; Neoplastic Syndromes, Hereditary. Identifiers: Orphanet 140162, MedGen C0027672, MeSH D009386, MONDO:0015356.

Allele frequency attached by ClinVar (database versions not stated): TOPMed 0.00008; gnomAD 0.00011 and 0.00012; ESP Exome Variant Server 0.00015; 1000 Genomes Project 30x 0.00016; 1000 Genomes Project 0.00020.
gnomAD v4.1: 25 of 1,614,158 alleles (0.0015%); highest among the groups gnomAD compares: African/African-American, 0.033%; no homozygotes.

Submissions (11):

Labcorp Genetics (formerly Invitae), Labcorp
Classification: Likely benign for Hereditary diffuse gastric adenocarcinoma. Last evaluated: 2025-11-18. Review status: criteria provided, single submitter. Criteria: Invitae Variant Classification Sherloc (09022015). Collection method: clinical testing. Allele origin: germline.

Women's Health and Genetics/Laboratory Corporation of America, LabCorp
Classification: Likely benign. Last evaluated: 2025-08-27. Review status: criteria provided, single submitter. Criteria: LabCorp Variant Classification Summary - May 2015. Collection method: clinical testing. Allele origin: germline.
Comment: Variant summary: CDH1 c.1143G>C (p.Lys381Asn) results in a non-conservative amino acid change located in the Cadherin-like domain (IPR002126) of the encoded protein sequence. Algorithms developed to predict the effect of missense changes on protein structure and function are either unavailable or do not agree on the potential impact of this missense change. The variant allele was found at a frequency of 1.5e-05 in 1614158 control chromosomes, predominantly at a frequency of 0.00033 within the African or African-American subpopulation in the gnomAD database. The observed variant frequency within African or African-American control individuals in the gnomAD database exceeds the estimated maximal expected allele frequency for disease-causing variants in CDH1. c.1143G>C has been reported as a VUS in settings of multigene panel testing of individuals affected with BRCA negative breast cancer (Weitzel_2019). These report(s) do not provide unequivocal conclusions about association of the variant with Hereditary Diffuse Gastric Cancer. To our knowledge, no experimental evidence demonstrating an impact on protein function has been reported. The following publication have been ascertained in the context of this evaluation (PMID: 31206626). ClinVar contains an entry for this variant (Variation ID: 182395). Based on the evidence outlined above, the variant was classified as likely benign.

Quest Diagnostics Nichols Institute San Juan Capistrano
Classification: Likely benign. Last evaluated: 2025-07-15. Review status: criteria provided, single submitter. Criteria: Quest Diagnostics criteria. Collection method: clinical testing. Allele origin: unknown.

Color Diagnostics, LLC DBA Color Health
Classification: Likely benign for Hereditary cancer-predisposing syndrome. Last evaluated: 2024-09-17. Review status: criteria provided, single submitter. Criteria: ACMG Guidelines, 2015. Collection method: clinical testing. Allele origin: germline.

Fulgent Genetics
Classification: Uncertain significance for Familial cancer of breast; Blepharocheilodontic syndrome 1; Hereditary diffuse gastric adenocarcinoma; Ovarian cancer; Endometrial carcinoma. Last evaluated: 2024-01-24. Review status: criteria provided, single submitter. Criteria: ACMG Guidelines, 2015. Collection method: clinical testing. Allele origin: germline.

GeneDx
Classification: Uncertain significance. Last evaluated: 2023-04-04. Review status: criteria provided, single submitter. Criteria: GeneDx Variant Classification Process June 2021. Collection method: clinical testing. Allele origin: germline. Affected: yes.
Comment: In silico analysis supports that this missense variant does not alter protein structure/function; Observed in individuals with breast cancer (Weitzel et al., 2019); This variant is associated with the following publications: (PMID: 31206626, 22850631, 15235021)

Myriad Genetics, Inc.
Classification: Likely benign for Hereditary diffuse gastric adenocarcinoma. Last evaluated: 2023-03-06. Review status: criteria provided, single submitter. Criteria: Myriad Autosomal Dominant, Autosomal Recessive and X-Linked Classification Criteria (2023). Collection method: clinical testing. Allele origin: unknown.
Comment: This variant is considered likely benign. Homozygosity has been confirmed in one or more individuals. As homozygosity for pathogenic variants in this gene is generally assumed to result in embryonic lethality, this variant is unlikely to be pathogenic.

European Reference Network on Genetic Tumour Risk Syndromes (ERN-GENTURIS), i3s - Instituto de Investigação e Inovação em Saúde, University of Porto
Classification: Uncertain significance for Hereditary diffuse gastric adenocarcinoma. Last evaluated: 2022-08-01. Review status: criteria provided, single submitter. Criteria: Lee et al. (Hum Mutat. 2018). Collection method: clinical testing. Allele origin: germline. Inheritance: Autosomal dominant inheritance. Affected: no. Study: ERN GENTURIS.
Comment: Not applicable criteria (PMID: 30311375)

Ambry Genetics
Classification: Likely benign for Hereditary cancer-predisposing syndrome. Last evaluated: 2022-01-13. Review status: criteria provided, single submitter. Criteria: Ambry Variant Classification Scheme 2023. Collection method: clinical testing. Allele origin: germline.

Genetic Services Laboratory, University of Chicago
Classification: Uncertain significance. Last evaluated: 2017-11-30. Review status: criteria provided, single submitter. Criteria: ACMG Guidelines, 2015. Collection method: clinical testing. Allele origin: germline. Affected: no.

Counsyl
Classification: Uncertain significance for Hereditary diffuse gastric adenocarcinoma. Last evaluated: 2016-06-30. Review status: no assertion criteria provided. Collection method: clinical testing. Allele origin: unknown. Not counted in ClinVar's aggregate classification.

Literature cited by the submitters: PubMed 31206626 (cited by Women's Health and Genetics/Laboratory Corporation of America, LabCorp and Quest Diagnostics Nichols Institute San Juan Capistrano); PubMed 36436516 (cited by Quest Diagnostics Nichols Institute San Juan Capistrano and European Reference Network on Genetic Tumour Risk Syndromes (ERN-GENTURIS), i3s - Instituto de Investigação e Inovação em Saúde, University of Porto); PubMed 38153744 (cited by Quest Diagnostics Nichols Institute San Juan Capistrano).